The following is an entry in ClinVar:

NM_004974.4(KCNA2):c.68A>G (p.Tyr23Cys)

Gene: KCNA2 (potassium voltage-gated channel subfamily A member 2; minus strand). Cytogenetic location: 1p13.3.
Variant type: single nucleotide variant.
Coding change: c.68A>G on transcript NM_004974.4 (MANE Select); coding-DNA position 68, A replaced by G.
Protein change: p.Tyr23Cys; replaces tyrosine 23 with cysteine.
Molecular consequence: missense variant.
Genome position (GRCh38, 1-based): chr1:110,604,715, T>C on the plus strand (A>G on the coding strand, the complement: KCNA2 is on the minus strand). VCF-style: chr1-110604715-T-C. GRCh37 (hg19) VCF-style: chr1-111147337-T-C.
Other names: c.68A>G, p.Tyr23Cys (NM_001204269.2); short protein forms Y23C.
Identifiers: ClinVar variation 476053 (VCV000476053.12), dbSNP rs753829876, ClinGen allele CA1000758.

ClinVar aggregate classification (germline): Conflicting classifications of pathogenicity. Review status: criteria provided, conflicting classifications (1 of 4 stars). 2 submissions from 2 submitters: Uncertain significance (1); Likely benign (1). Last evaluated 2025-11-14.

Conditions:
Inborn genetic diseases. Identifiers: MedGen C0950123, MeSH D030342.
Developmental and epileptic encephalopathy, 32 (DEE32). Also called: Epileptic encephalopathy, early infantile, 32. Identifiers: Orphanet 442835, MedGen C4225350, MONDO:0014607, OMIM 616366.

Allele frequency attached by ClinVar (database versions not stated): gnomAD exomes 0.00001 and 0.00002; TOPMed 0.00001; ExAC 0.00002.
gnomAD v4.1: 13 of 1,614,158 alleles (0.00081%); highest among the groups gnomAD compares: East Asian, 0.0067%; no homozygotes.

Submissions (2):

Ambry Genetics
Classification: Likely benign for Inborn genetic diseases. Last evaluated: 2025-11-14. Review status: criteria provided, single submitter. Criteria: Ambry Variant Classification Scheme 2023. Collection method: clinical testing. Allele origin: germline.

Labcorp Genetics (formerly Invitae), Labcorp
Classification: Uncertain significance for Developmental and epileptic encephalopathy, 32. Last evaluated: 2025-04-23. Review status: criteria provided, single submitter. Criteria: Invitae Variant Classification Sherloc (09022015). Collection method: clinical testing. Allele origin: germline.
Comment: This sequence change replaces tyrosine, which is neutral and polar, with cysteine, which is neutral and slightly polar, at codon 23 of the KCNA2 protein (p.Tyr23Cys). This variant is present in population databases (rs753829876, gnomAD 0.006%). This missense change has been observed in individual(s) with clinical features of KCNA2-related conditions (internal data). In at least one individual the variant was observed to be de novo. This missense change has been observed in at least one individual who was not affected with KCNA2-related conditions (internal data). ClinVar contains an entry for this variant (Variation ID: 476053). Invitae Evidence Modeling of protein sequence and biophysical properties (such as structural, functional, and spatial information, amino acid conservation, physicochemical variation, residue mobility, and thermodynamic stability) indicates that this missense variant is not expected to disrupt KCNA2 protein function with a negative predictive value of 95%. In summary, the available evidence is currently insufficient to determine the role of this variant in disease. Therefore, it has been classified as a Variant of Uncertain Significance.